The following is an entry in ClinVar:

ClinVar aggregate classification (germline): Uncertain significance (1 of 4 stars; one submission).

gnomAD v4.1: 621 of 1,614,144 alleles (0.038%); highest among the groups gnomAD compares: Non-Finnish European, 0.049%; 1 homozygote.

Submission:

Mayo Clinic Laboratories, Mayo Clinic
Classification: Uncertain significance. Last evaluated: 2025-09-30. Review status: criteria provided, single submitter. Criteria: ACMG Guidelines, 2015. Collection method: clinical testing. Allele origin: germline. Observed: 1 variant allele.
Comment: BP4

NM_017872.5(THG1L):c.295A>T (p.Ile99Phe)

Gene: THG1L (tRNA-histidine guanylyltransferase 1 like; plus strand). Cytogenetic location: 5q33.3.
Variant type: single nucleotide variant.
Coding change: c.295A>T on transcript NM_017872.5 (MANE Select); coding-DNA position 295, A replaced by T.
Protein change: p.Ile99Phe; replaces isoleucine 99 with phenylalanine.
Molecular consequence: missense variant. On other transcripts: 5 prime UTR variant (2).
Genome position (GRCh38, 1-based): chr5:157,732,971, A>T. VCF-style: chr5-157732971-A-T. GRCh37 (hg19) VCF-style: chr5-157159979-A-T.
Other names: p.Ile99Phe; c.-7A>T (NM_001317824.2); c.-77A>T (NM_001317825.2); c.109A>T, p.Ile37Phe (NM_001317826.2); short protein forms I99F, I37F.
Identifiers: ClinVar variation 4541082 (VCV004541082.1).
Genomic context (GRCh38, chr5:157,732,971, plus strand): 5'-GCTCTCCAGCTGATGACCAAATGTGCGCAGACTGTGATGGAAGAACTAGAGGATATTGTG[A>T]TCGCGTATGGACAGAGTGATGAGTACAGCTTTGTGTTCAAGCGGAAAACCAATTGGTTTA-3'
Protein context (NP_060342.2, residues 89-109): TVMEELEDIV[Ile99Phe]AYGQSDEYSF